The following is an entry in ClinVar:

ClinVar aggregate classification (germline): Uncertain significance (1 of 4 stars; one submission).

Allele frequency attached by ClinVar (database versions not stated): ExAC 0.00001; gnomAD exomes 0.00001.
gnomAD v4.1: 3 of 1,613,916 alleles (0.00019%); highest among the groups gnomAD compares: Admixed American, 0.0017%; no homozygotes.

Submission:

Ambry Genetics
Classification: Uncertain significance. Last evaluated: 2023-08-30. Review status: criteria provided, single submitter. Criteria: Ambry Variant Classification Scheme 2023. Collection method: clinical testing. Allele origin: germline.
Comment: The p.T1762S variant (also known as c.5284A>T), located in coding exon 16 of the POLQ gene, results from an A to T substitution at nucleotide position 5284. The threonine at codon 1762 is replaced by serine, an amino acid with similar properties. This amino acid position is conserved. In addition, this alteration is predicted to be tolerated by in silico analysis. Since supporting evidence is limited at this time, the clinical significance of this alteration remains unclear.

NM_199420.4(POLQ):c.5284A>T (p.Thr1762Ser)

Gene: POLQ (DNA polymerase theta; minus strand). Cytogenetic location: 3q13.33.
Variant type: single nucleotide variant.
Coding change: c.5284A>T on transcript NM_199420.4 (MANE Select); coding-DNA position 5284, A replaced by T.
Protein change: p.Thr1762Ser; replaces threonine 1762 with serine.
Molecular consequence: missense variant.
Genome position (GRCh38, 1-based): chr3:121,487,647, T>A on the plus strand (A>T on the coding strand, the complement: POLQ is on the minus strand). VCF-style: chr3-121487647-T-A. GRCh37 (hg19) VCF-style: chr3-121206494-T-A.
Other names: short protein forms T1762S.
Identifiers: ClinVar variation 2625864 (VCV002625864.2), dbSNP rs781479111, ClinGen allele CA2562750.